The following is an entry in ClinVar:

NM_016464.5(TMEM138):c.63C>G (p.Asp21Glu)

Gene: TMEM138 (transmembrane protein 138; plus strand). Cytogenetic location: 11q12.2.
Variant type: single nucleotide variant.
Coding change: c.63C>G on transcript NM_016464.5 (MANE Select); coding-DNA position 63, C replaced by G.
Protein change: p.Asp21Glu; replaces aspartic acid 21 with glutamic acid.
Molecular consequence: missense variant. On other transcripts: non-coding transcript variant (1), intron variant (1).
Genome position (GRCh38, 1-based): chr11:61,364,453, C>G. VCF-style: chr11-61364453-C-G. GRCh37 (hg19) VCF-style: chr11-61131925-C-G.
Other names: c.63C>G, p.Asp21Glu (NM_001410997.1, NM_001410998.1, NM_001410999.1); c.-47+138C>G (NM_001330281.2); short protein forms D21E.
Identifiers: ClinVar variation 3235049 (VCV003235049.1), dbSNP rs2539860775, ClinGen allele CA380677614.

ClinVar aggregate classification (germline): Uncertain significance (1 of 4 stars; one submission).

Conditions:
Joubert syndrome 16 (JBTS16). Identifiers: Orphanet 2318, MedGen C3280906, MONDO:0013764, OMIM 614465.

Submission:

Neuberg Centre For Genomic Medicine, NCGM
Classification: Uncertain significance for Joubert syndrome 16. Review status: criteria provided, single submitter. Criteria: ACMG Guidelines, 2015. Collection method: clinical testing. Allele origin: germline. Inheritance: Autosomal recessive inheritance. Affected: yes.
Comment: The missense c.63C>Gp.Asp21Glu variant in TMEM138 gene has not been reported previously as a pathogenic variant nor a benign variant, to our knowledge. The p.Asp21Glu variant is novel not in any individuals in gnomAD Exomes and 1000 Genomes. This variant has not been reported to the ClinVar database. The amino acid change p.Asp21Glu in TMEM138 is predicted as conserved by GERP++ and PhyloP across 100 vertebrates. The amino acid Asp at position 21 is changed to a Glu changing protein sequence and it might alter its composition and physico-chemical properties. For these reasons, this variant has been classified as a Variant of Uncertain Significance VUS.